The following is an entry in ClinVar:

ClinVar aggregate classification (germline): Conflicting classifications of pathogenicity. Review status: criteria provided, conflicting classifications (1 of 4 stars). 5 submissions from 5 submitters: Uncertain significance (3); Benign (1); Likely benign (1). Last evaluated 2025-01-14.

Conditions:
Cardiomyopathy (CMYO). Also called: Cardiomyopathies. Identifiers: Orphanet 167848, MedGen C0878544, MONDO:0004994, HP:0001638. Inheritance: Various modes of inheritance.
Cardiovascular phenotype. Identifiers: MedGen CN230736.
Hypertrophic cardiomyopathy. Also called: HYPERTROPHIC MYOCARDIOPATHY. Identifiers: Orphanet 217569, MedGen C0007194, MeSH D002312, MONDO:0005045, HP:0001639.

Allele frequency attached by ClinVar (database versions not stated): gnomAD exomes below 0.00001 and 0.00002; ExAC 0.00001; TOPMed 0.00001.
gnomAD v4.1: 6 of 1,613,206 alleles (0.00037%); highest among the groups gnomAD compares: East Asian, 0.0089%; no homozygotes.

Submissions (5):

Labcorp Genetics (formerly Invitae), Labcorp
Classification: Uncertain significance for Hypertrophic cardiomyopathy. Last evaluated: 2025-01-14. Review status: criteria provided, single submitter. Criteria: Invitae Variant Classification Sherloc (09022015). Collection method: clinical testing. Allele origin: germline.
Comment: This sequence change falls in intron 15 of the MYBPC3 gene. It does not directly change the encoded amino acid sequence of the MYBPC3 protein. It affects a nucleotide within the consensus splice site. This variant is present in population databases (rs777487971, gnomAD 0.02%). This variant has not been reported in the literature in individuals affected with MYBPC3-related conditions. ClinVar contains an entry for this variant (Variation ID: 628827). Variants that disrupt the consensus splice site are a relatively common cause of aberrant splicing (PMID: 17576681, 9536098). Algorithms developed to predict the effect of sequence changes on RNA splicing suggest that this variant is not likely to affect RNA splicing. In summary, the available evidence is currently insufficient to determine the role of this variant in disease. Therefore, it has been classified as a Variant of Uncertain Significance.

CHEO Genetics Diagnostic Laboratory, Children's Hospital of Eastern Ontario
Classification: Uncertain significance for Cardiomyopathy. Last evaluated: 2021-05-10. Review status: criteria provided, single submitter. Criteria: ACMG Guidelines, 2015. Collection method: clinical testing. Allele origin: germline.

Ambry Genetics
Classification: Uncertain significance for Cardiovascular phenotype. Last evaluated: 2020-07-21. Review status: criteria provided, single submitter. Criteria: Ambry Variant Classification Scheme 2023. Collection method: clinical testing. Allele origin: germline.
Comment: The c.1351+4G>A intronic variant results from a G to A substitution 4 nucleotides after coding exon 15 in the MYBPC3 gene. This nucleotide position is not well conserved in available vertebrate species. In silico splice site analysis predicts that this alteration will not have any significant effect on splicing. Since supporting evidence is limited at this time, the clinical significance of this alteration remains unclear.

Color Diagnostics, LLC DBA Color Health
Classification: Likely benign for Cardiomyopathy. Last evaluated: 2018-07-10. Review status: criteria provided, single submitter. Criteria: ACMG Guidelines, 2015. Collection method: clinical testing. Allele origin: germline.

GeneDx
Classification: Benign. Last evaluated: 2015-03-03. Review status: criteria provided, single submitter. Criteria: GeneDx Variant Classification Process June 2021. Collection method: clinical testing. Allele origin: germline. Affected: yes.

Literature cited by the submitters: PubMed 17576681 (cited by Labcorp Genetics (formerly Invitae), Labcorp); PubMed 9536098 (cited by Labcorp Genetics (formerly Invitae), Labcorp).

NC_000011.10:g.47343017C>T

Gene: MYBPC3 (myosin binding protein C3; minus strand). Cytogenetic location: 11p11.2.
Variant type: single nucleotide variant.
Genome position: GRCh38 VCF-style: chr11-47343017-C-T. GRCh37 (hg19) VCF-style: chr11-47364568-C-T.
Other names: c.1351+4G>A (LRG_386t1, NM_000256.3).
Identifiers: ClinVar variation 628827 (VCV000628827.18), dbSNP rs777487971, ClinGen allele CA078020.